The following is an entry in ClinVar:

NM_017780.4(CHD7):c.4764T>G (p.Cys1588Trp)

Gene: CHD7 (chromodomain helicase DNA binding protein 7; plus strand). Cytogenetic location: 8q12.2.
Variant type: single nucleotide variant.
Coding change: c.4764T>G on transcript NM_017780.4 (MANE Select); coding-DNA position 4764, T replaced by G.
Protein change: p.Cys1588Trp; replaces cysteine 1588 with tryptophan.
Molecular consequence: missense variant. On other transcripts: intron variant (1).
Genome position (GRCh38, 1-based): chr8:60,841,966, T>G. VCF-style: chr8-60841966-T-G. GRCh37 (hg19) VCF-style: chr8-61754525-T-G.
Other names: c.1717-20263T>G (NM_001316690.1); short protein forms C1588W.
Identifiers: ClinVar variation 1707989 (VCV001707989.2), dbSNP rs764053364, ClinGen allele CA4760188.

ClinVar aggregate classification (germline): Likely benign (1 of 4 stars; one submission).

Allele frequency attached by ClinVar (database versions not stated): gnomAD exomes 0.00001; ExAC 0.00003.
gnomAD v4.1: 4 of 1,613,584 alleles (0.00025%); highest among the groups gnomAD compares: East Asian, 0.0089%; no homozygotes.

Submission:

GeneDx
Classification: Likely benign. Last evaluated: 2022-04-15. Review status: criteria provided, single submitter. Criteria: GeneDx Variant Classification Process June 2021. Collection method: clinical testing. Allele origin: germline. Affected: yes.
Comment: Identified in a patient with semicircular canal hypoplasia and sensorineural hearing loss in published literature, however, the patient had trisomy 13 due to an unbalanced translocation, which may have been the etiology for these and other reported features (Cho et al., 2013); In silico analysis supports that this missense variant does not alter protein structure/function; This variant is associated with the following publications: (PMID: 23333604)